The following is an entry in ClinVar:

ClinVar aggregate classification (germline): Pathogenic (1 of 4 stars; one submission).

Conditions:
Spastic paraplegia. Identifiers: MedGen C0037772, HP:0001258.

gnomAD v4.1: 3 of 1,613,308 alleles (0.00019%); highest among the groups gnomAD compares: Non-Finnish European, 0.00017%; no homozygotes.

Submission:

Labcorp Genetics (formerly Invitae), Labcorp
Classification: Pathogenic for Spastic paraplegia. Last evaluated: 2023-12-19. Review status: criteria provided, single submitter. Criteria: Invitae Variant Classification Sherloc (09022015). Collection method: clinical testing. Allele origin: germline.
Comment: This sequence change affects a donor splice site in intron 4 of the AP4S1 gene. It is expected to disrupt RNA splicing. Variants that disrupt the donor or acceptor splice site typically lead to a loss of protein function (PMID: 16199547), and loss-of-function variants in AP4S1 are known to be pathogenic (PMID: 21620353, 25552650, 27444738). This variant is not present in population databases (gnomAD no frequency). Disruption of this splice site has been observed in individuals with hereditary spastic paraplegia (PMID: 31915823; Invitae). Algorithms developed to predict the effect of sequence changes on RNA splicing suggest that this variant may disrupt the consensus splice site. For these reasons, this variant has been classified as Pathogenic.

Literature cited by the submitters: PubMed 16199547; PubMed 21620353; PubMed 25552650; PubMed 27444738; PubMed 31915823.

NM_001128126.3(AP4S1):c.294+1G>A

Gene: AP4S1 (adaptor related protein complex 4 subunit sigma 1; plus strand). Cytogenetic location: 14q12.
Variant type: single nucleotide variant.
Coding change: c.294+1G>A on transcript NM_001128126.3 (MANE Select); the canonical splice donor site of the intron after coding-DNA position 294, G replaced by A.
Molecular consequence: splice donor variant.
Genome position (GRCh38, 1-based): chr14:31,072,974, G>A. VCF-style: chr14-31072974-G-A. GRCh37 (hg19) VCF-style: chr14-31542180-G-A.
Other names: c.294+1G>A (NM_001254729.2, NM_001254727.2, NM_007077.5 and 2 more transcripts).
Identifiers: ClinVar variation 2804655 (VCV002804655.3), dbSNP rs886041127, ClinGen allele CA389360927.